The following is an entry in ClinVar:

NM_006302.3(MOGS):c.992C>T (p.Ser331Phe)

Gene: MOGS (mannosyl-oligosaccharide glucosidase; minus strand). Cytogenetic location: 2p13.1.
Variant type: single nucleotide variant.
Coding change: c.992C>T on transcript NM_006302.3 (MANE Select); coding-DNA position 992, C replaced by T.
Protein change: p.Ser331Phe; replaces serine 331 with phenylalanine.
Molecular consequence: missense variant.
Genome position (GRCh38, 1-based): chr2:74,462,797, G>A on the plus strand (C>T on the coding strand, the complement: MOGS is on the minus strand). VCF-style: chr2-74462797-G-A. GRCh37 (hg19) VCF-style: chr2-74689924-G-A.
Other names: c.992C>T, p.Ser331Phe (LRG_1226t1); c.674C>T, p.Ser225Phe (NM_001146158.2); short protein forms S225F, S331F.
Identifiers: ClinVar variation 640956 (VCV000640956.5), dbSNP rs1572920656, ClinGen allele CA347378036.

ClinVar aggregate classification (germline): Uncertain significance (1 of 4 stars; one submission).

Conditions:
MOGS-congenital disorder of glycosylation. Also called: CDG IIb; MOGS-CDG; GLUCOSIDASE I DEFICIENCY; CDG 2B. Identifiers: Orphanet 79330, MedGen C1853736, MONDO:0011629, OMIM 606056.

Submission:

Labcorp Genetics (formerly Invitae), Labcorp
Classification: Uncertain significance for MOGS-congenital disorder of glycosylation. Last evaluated: 2025-01-15. Review status: criteria provided, single submitter. Criteria: Invitae Variant Classification Sherloc (09022015). Collection method: clinical testing. Allele origin: germline.
Comment: This sequence change replaces serine, which is neutral and polar, with phenylalanine, which is neutral and non-polar, at codon 331 of the MOGS protein (p.Ser331Phe). This variant is not present in population databases (gnomAD no frequency). This variant has not been reported in the literature in individuals affected with MOGS-related conditions. ClinVar contains an entry for this variant (Variation ID: 640956). Invitae Evidence Modeling of protein sequence and biophysical properties (such as structural, functional, and spatial information, amino acid conservation, physicochemical variation, residue mobility, and thermodynamic stability) indicates that this missense variant is not expected to disrupt MOGS protein function with a negative predictive value of 80%. Algorithms developed to predict the effect of sequence changes on RNA splicing suggest that this variant may create or strengthen a splice site. In summary, the available evidence is currently insufficient to determine the role of this variant in disease. Therefore, it has been classified as a Variant of Uncertain Significance.